The following is an entry in ClinVar:

NM_002282.3(KRT83):c.666C>T (p.Cys222=)

Gene: KRT83 (keratin 83; minus strand). Cytogenetic location: 12q13.13.
Variant type: single nucleotide variant.
Coding change: c.666C>T on transcript NM_002282.3 (MANE Select); coding-DNA position 666, C replaced by T.
Protein change: p.Cys222=; no amino-acid change (cysteine 222 retained).
Molecular consequence: synonymous variant.
Genome position (GRCh38, 1-based): chr12:52,317,765, G>A on the plus strand (C>T on the coding strand, the complement: KRT83 is on the minus strand). VCF-style: chr12-52317765-G-A. GRCh37 (hg19) VCF-style: chr12-52711549-G-A.
Identifiers: ClinVar variation 309525 (VCV000309525.13), dbSNP rs2857667, ClinGen allele CA6577574.
Genomic context (GRCh38, chr12:52,317,765, plus strand): 5'-GTCAATCTCCTGGATCAGGGCCTCCACGTTGGCCTCCAGGTCTGACTTGCGGAGGTAGGC[G>A]CAGTCCACATCCTGGGTGGGGTAGAAGGGGCTGTGAGGCCGGCTTTCCTCAGAGGGCTCT-3'
Protein context (NP_002273.3, residues 212-232): EFVALKKDVD[Cys222=]AYLRKSDLEA

ClinVar aggregate classification (germline): Benign. Review status: criteria provided, multiple submitters, no conflicts (2 of 4 stars). 3 submissions from 3 submitters: Benign (3). Last evaluated 2026-02-04.

Conditions:
Monilethrix. Also called: Beaded hair. Identifiers: Orphanet 573, MedGen C0546966, MONDO:0008009, HP:0032470.

Allele frequency attached by ClinVar (database versions not stated): 1000 Genomes Project 30x 0.38398; TOPMed 0.41840; 1000 Genomes Project 0.37620; ESP Exome Variant Server 0.44164.
gnomAD v4.1: 659,943 of 1,611,946 alleles (41%); highest among the groups gnomAD compares: African/African-American, 49%; 137,887 homozygotes.

Submissions (3):

Labcorp Genetics (formerly Invitae), Labcorp
Classification: Benign. Last evaluated: 2026-02-04. Review status: criteria provided, single submitter. Criteria: Invitae Variant Classification Sherloc (09022015). Collection method: clinical testing. Allele origin: germline.

Illumina Laboratory Services, Illumina
Classification: Benign for Monilethrix-1. Last evaluated: 2018-01-13. Review status: criteria provided, single submitter. Criteria: ICSL Variant Classification Criteria 13 December 2019. Collection method: clinical testing. Allele origin: germline.
Comment: This variant was observed in the ICSL laboratory as part of a predisposition screen in an ostensibly healthy population. It had not been previously curated by ICSL or reported in the Human Gene Mutation Database (HGMD: prior to June 1st, 2018), and was therefore a candidate for classification through an automated scoring system. Utilizing variant allele frequency, disease prevalence and penetrance estimates, and inheritance mode, an automated score was calculated to assess if this variant is too frequent to cause the disease. Based on the score and internal cut-off values, a variant classified as benign is not then subjected to further curation. The score for this variant resulted in a classification of benign for this disease.

Breakthrough Genomics
Classification: Benign. Review status: criteria provided, single submitter. Criteria: ACMG Guidelines, 2015. Collection method: not provided. Allele origin: germline. Inheritance: Autosomal recessive inheritance. Affected: yes.